The following is an entry in ClinVar:

NM_032147.5(USP44):c.1443A>T (p.Ala481=)

Gene: USP44 (ubiquitin specific peptidase 44; minus strand). Cytogenetic location: 12q22.
Variant type: single nucleotide variant.
Coding change: c.1443A>T on transcript NM_032147.5 (MANE Select); coding-DNA position 1443, A replaced by T.
Protein change: p.Ala481=; no amino-acid change (alanine 481 retained).
Molecular consequence: synonymous variant. On other transcripts: non-coding transcript variant (3).
Genome position (GRCh38, 1-based): chr12:95,528,988, T>A on the plus strand (A>T on the coding strand, the complement: USP44 is on the minus strand). VCF-style: chr12-95528988-T-A. GRCh37 (hg19) VCF-style: chr12-95922764-T-A.
Other names: c.1443A>T, p.Ala481= (NM_001042403.3, NM_001278393.2, NM_001347936.2 and 1 more transcripts).
Identifiers: ClinVar variation 3050312 (VCV003050312.2), dbSNP rs145220201, ClinGen allele CA6725477.
Genomic context (GRCh38, chr12:95,528,988, plus strand): 5'-TTCTGGAAACTCCAATGACAAGTCCCAGAAAGGTTCTATGGTATTTGATTTGTTGTCACA[T>A]GCAAGACATGTAACCTGCAAATGAGAATATGAGTTCCTAAGATTATAATCTTTCCATCAA-3'
Protein context (NP_115523.2, residues 471-491): GQLLSQVTCL[Ala481=]CDNKSNTIEP

ClinVar aggregate classification (germline): Likely benign (0 of 4 stars; one submission).

Conditions:
USP44-related disorder. Also called: USP44-related condition.

gnomAD v4.1: 17 of 1,611,592 alleles (0.0011%); highest among the groups gnomAD compares: South Asian, 0.019%; no homozygotes.

Submission:

PreventionGenetics, part of Exact Sciences
Classification: Likely benign for USP44-related condition. Last evaluated: 2019-07-19. Review status: no assertion criteria provided. Collection method: clinical testing. Allele origin: germline.
Comment: This variant is classified as likely benign based on ACMG/AMP sequence variant interpretation guidelines (Richards et al. 2015 PMID: 25741868, with internal and published modifications).